The following is an entry in ClinVar:

ClinVar aggregate classification (germline): Uncertain significance (1 of 4 stars; one submission).

Submission:

Labcorp Genetics (formerly Invitae), Labcorp
Classification: Uncertain significance. Last evaluated: 2021-12-02. Review status: criteria provided, single submitter. Criteria: Invitae Variant Classification Sherloc (09022015). Collection method: clinical testing. Allele origin: germline.
Comment: This variant is not present in population databases (gnomAD no frequency). This sequence change replaces alanine, which is neutral and non-polar, with threonine, which is neutral and polar, at codon 484 of the C7 protein (p.Ala484Thr). This variant has not been reported in the literature in individuals affected with C7-related conditions. In summary, the available evidence is currently insufficient to determine the role of this variant in disease. Therefore, it has been classified as a Variant of Uncertain Significance. Algorithms developed to predict the effect of missense changes on protein structure and function (SIFT, PolyPhen-2, Align-GVGD) all suggest that this variant is likely to be tolerated.

NM_000587.4(C7):c.1450G>A (p.Ala484Thr)

Gene: C7 (complement C7; plus strand). Cytogenetic location: 5p13.1.
Variant type: single nucleotide variant.
Coding change: c.1450G>A on transcript NM_000587.4 (MANE Select); coding-DNA position 1450, G replaced by A.
Protein change: p.Ala484Thr; replaces alanine 484 with threonine.
Molecular consequence: missense variant.
Genome position (GRCh38, 1-based): chr5:40,958,222, G>A. VCF-style: chr5-40958222-G-A. GRCh37 (hg19) VCF-style: chr5-40958324-G-A.
Other names: short protein forms A484T.
Identifiers: ClinVar variation 1407201 (VCV001407201.7), dbSNP rs2111664031, ClinGen allele CA359586861.
Genomic context (GRCh38, chr5:40,958,222, plus strand): 5'-GGTTTGGCTACTGTTGAGGGGACCCATTGTCTGTGCCATTGCAAACCGTACACATTTGGT[G>A]CGGCGTGTGAGCAAGGAGTCCTCGTAGGGAATCAAGCAGGTCAGTGGGGTGAATTTTCTC-3'
Protein context (NP_000578.2, residues 474-494): LCHCKPYTFG[Ala484Thr]ACEQGVLVGN